The following is an entry in ClinVar:

NM_000093.5(COL5A1):c.925-180C>T

Gene: COL5A1 (collagen type V alpha 1 chain; plus strand). Cytogenetic location: 9q34.3.
Variant type: single nucleotide variant.
Coding change: c.925-180C>T on transcript NM_000093.5 (MANE Select); 180 bases into the intron before coding-DNA position 925, C replaced by T.
Molecular consequence: intron variant.
Genome position (GRCh38, 1-based): chr9:134,730,056, C>T. VCF-style: chr9-134730056-C-T. GRCh37 (hg19) VCF-style: chr9-137621902-C-T.
Other names: c.925-180C>T (NM_001278074.1).
Identifiers: ClinVar variation 675287 (VCV000675287.1), dbSNP rs187927679, ClinGen allele CA201107930.

ClinVar aggregate classification (germline): Likely benign (1 of 4 stars; one submission).

Allele frequency attached by ClinVar (database versions not stated): 1000 Genomes Project 30x 0.00359; 1000 Genomes Project 0.00399; gnomAD 0.00955 and 0.01000; TOPMed 0.01022.
gnomAD v4.1: 1,485 of 152,326 alleles (0.97%); highest among the groups gnomAD compares: Middle Eastern, 1.7%; 6 homozygotes.

Submission:

GeneDx
Classification: Likely benign. Last evaluated: 2018-06-14. Review status: criteria provided, single submitter. Criteria: GeneDx Variant Classification (06012015). Collection method: clinical testing. Allele origin: germline. Affected: yes.
Comment: This variant is considered likely benign or benign based on one or more of the following criteria: it is a conservative change, it occurs at a poorly conserved position in the protein, it is predicted to be benign by multiple in silico algorithms, and/or has population frequency not consistent with disease.